The following is an entry in ClinVar:

ClinVar aggregate classification (germline): Uncertain significance (1 of 4 stars; one submission).

Submission:

Labcorp Genetics (formerly Invitae), Labcorp
Classification: Uncertain significance. Last evaluated: 2022-02-24. Review status: criteria provided, single submitter. Criteria: Invitae Variant Classification Sherloc (09022015). Collection method: clinical testing. Allele origin: germline.
Comment: This sequence change replaces isoleucine, which is neutral and non-polar, with leucine, which is neutral and non-polar, at codon 350 of the CNGB3 protein (p.Ile350Leu). This variant is not present in population databases (gnomAD no frequency). This variant has not been reported in the literature in individuals affected with CNGB3-related conditions. ClinVar contains an entry for this variant (Variation ID: 944013). Advanced modeling of protein sequence and biophysical properties (such as structural, functional, and spatial information, amino acid conservation, physicochemical variation, residue mobility, and thermodynamic stability) performed at Invitae indicates that this missense variant is not expected to disrupt CNGB3 protein function. In summary, the available evidence is currently insufficient to determine the role of this variant in disease. Therefore, it has been classified as a Variant of Uncertain Significance.

NM_019098.5(CNGB3):c.1048A>C (p.Ile350Leu)

Gene: CNGB3 (cyclic nucleotide gated channel subunit beta 3; minus strand). Cytogenetic location: 8q21.3.
Variant type: single nucleotide variant.
Coding change: c.1048A>C on transcript NM_019098.5 (MANE Select); coding-DNA position 1048, A replaced by C.
Protein change: p.Ile350Leu; replaces isoleucine 350 with leucine.
Molecular consequence: missense variant.
Genome position (GRCh38, 1-based): chr8:86,644,629, T>G on the plus strand (A>C on the coding strand, the complement: CNGB3 is on the minus strand). VCF-style: chr8-86644629-T-G. GRCh37 (hg19) VCF-style: chr8-87656857-T-G.
Other names: short protein forms I350L.
Identifiers: ClinVar variation 944013 (VCV000944013.7), dbSNP rs1823261892, ClinGen allele CA371447537.
Genomic context (GRCh38, chr8:86,644,629, plus strand): 5'-TGTTGTACCATTGCTTTTTCCCCTTCCCCCAAGTATACTGAGTTATACTTTACCTGTAGA[T>G]ATATGCTTTGTCCATTATAGACTCTAGGTGATGATTAAATTCAAAAAATGAAGTGTACTA-3'
Protein context (NP_061971.3, residues 340-360): HLESIMDKAY[Ile350Leu]YRVIRTTGYL